The following is an entry in ClinVar:

NM_000540.3(RYR1):c.3728A>G (p.Gln1243Arg)

Gene: RYR1 (ryanodine receptor 1; plus strand). Cytogenetic location: 19q13.2.
Variant type: single nucleotide variant.
Coding change: c.3728A>G on transcript NM_000540.3 (MANE Select); coding-DNA position 3728, A replaced by G.
Protein change: p.Gln1243Arg; replaces glutamine 1243 with arginine.
Molecular consequence: missense variant.
Genome position (GRCh38, 1-based): chr19:38,469,476, A>G. VCF-style: chr19-38469476-A-G. GRCh37 (hg19) VCF-style: chr19-38960116-A-G.
Other names: c.3728A>G, p.Gln1243Arg (NM_001042723.2); short protein forms Q1243R.
Identifiers: ClinVar variation 3387690 (VCV003387690.1).
Genomic context (GRCh38, chr19:38,469,476, plus strand): 5'-AGCCATTTGCCATCAACATGCAGCGCCCAGTCACCACCTGGTTCAGCAAAGGCCTGCCCC[A>G]GTTTGAGCCAGTGCCCCTTGAACACCCTCACTATGAGGTAAGGACTGAGCCCCTCAATGC-3'
Protein context (NP_000531.2, residues 1233-1253): VTTWFSKGLP[Gln1243Arg]FEPVPLEHPH

ClinVar aggregate classification (germline): Uncertain significance (1 of 4 stars; one submission).

Conditions:
Malignant hyperthermia, susceptibility to, 1 (MHS1). Also called: Anesthesia related hyperthermia; Malignant hyperpyrexia; Fulminating hyperpyrexia; Pharmacogenic myopathy; RYR1-Related Malignant Hyperthermia Susceptibility; Malignant hyperthermia suceptibility 1. Identifiers: Orphanet 423, MedGen C2930980, MONDO:0007783, OMIM 145600.

Submission:

All of Us Research Program, National Institutes of Health
Classification: Uncertain significance for Malignant hyperthermia, susceptibility to, 1. Last evaluated: 2024-05-14. Review status: criteria provided, single submitter. Criteria: ACMG Guidelines, 2015. Collection method: clinical testing. Allele origin: germline. Inheritance: Autosomal dominant inheritance. Observed: 1 variant allele, 1 heterozygote.
Comment: This missense variant replaces glutamine with arginine at codon 1243 of the RYR1 protein. Computational prediction is inconclusive regarding the impact of this variant on protein structure and function. To our knowledge, functional studies have not been reported for this variant. This variant has not been reported in individuals affected with RYR1-related disorders in the literature. This variant has not been identified in the general population by the Genome Aggregation Database (gnomAD). The available evidence is insufficient to determine the role of this variant in disease conclusively. Therefore, this variant is classified as a Variant of Uncertain Significance.

This study involves interpretation of variants in research participants for the purpose of population health screening. Participant phenotype was not available at the time of variant classification. Additional details can be found in publication PMID: 35346344, PMCID: PMC8962531